The following is an entry in ClinVar:

ClinVar aggregate classification (germline): Uncertain significance. Review status: criteria provided, multiple submitters, no conflicts (2 of 4 stars). 2 submissions from 2 submitters: Uncertain significance (2). Last evaluated 2022-08-23.

Conditions:
Ciliary dyskinesia, primary, 40. Also called: CILIARY DYSKINESIA, PRIMARY, 40, WITH OR WITHOUT SITUS INVERSUS. Identifiers: MedGen C4749028, MONDO:0032664, OMIM 618300.

Allele frequency attached by ClinVar (database versions not stated): ExAC 0.00002; gnomAD exomes 0.00003; gnomAD 0.00004; 1000 Genomes Project 30x 0.00047; 1000 Genomes Project 0.00060.
gnomAD v4.1: 42 of 1,614,194 alleles (0.0026%); highest among the groups gnomAD compares: East Asian, 0.02%; no homozygotes.

Submissions (2):

Labcorp Genetics (formerly Invitae), Labcorp
Classification: Uncertain significance. Last evaluated: 2022-08-23. Review status: criteria provided, single submitter. Criteria: Invitae Variant Classification Sherloc (09022015). Collection method: clinical testing. Allele origin: germline.
Comment: This sequence change replaces arginine, which is basic and polar, with glutamine, which is neutral and polar, at codon 2470 of the DNAH9 protein (p.Arg2470Gln). This variant is present in population databases (rs140586111, gnomAD 0.02%). Algorithms developed to predict the effect of missense changes on protein structure and function output the following: SIFT: "Tolerated"; PolyPhen-2: "Benign"; Align-GVGD: "Class C0". The glutamine amino acid residue is found in multiple mammalian species, which suggests that this missense change does not adversely affect protein function. This variant has not been reported in the literature in individuals affected with DNAH9-related conditions. In summary, the available evidence is currently insufficient to determine the role of this variant in disease. Therefore, it has been classified as a Variant of Uncertain Significance.

Revvity Omics, Revvity
Classification: Uncertain significance for Ciliary dyskinesia, primary, 40. Last evaluated: 2022-03-10. Review status: criteria provided, single submitter. Criteria: ACMG Guidelines, 2015. Collection method: clinical testing. Allele origin: germline.

NM_001372.4(DNAH9):c.7409G>A (p.Arg2470Gln)

Gene: DNAH9 (dynein axonemal heavy chain 9; plus strand). Cytogenetic location: 17p12.
Variant type: single nucleotide variant.
Coding change: c.7409G>A on transcript NM_001372.4 (MANE Select); coding-DNA position 7409, G replaced by A.
Protein change: p.Arg2470Gln; replaces arginine 2470 with glutamine.
Molecular consequence: missense variant.
Genome position (GRCh38, 1-based): chr17:11,769,186, G>A. VCF-style: chr17-11769186-G-A. GRCh37 (hg19) VCF-style: chr17-11672503-G-A.
Other names: short protein forms R2470Q.
Identifiers: ClinVar variation 1899712 (VCV001899712.8), dbSNP rs140586111, ClinGen allele CA8396626.
Genomic context (GRCh38, chr17:11,769,186, plus strand): 5'-GTTTGGTGCACACGAGTGAGACCATCCGTGTGTGCTACTTCATGGAGCGGTTGATGGCGC[G>A]GCAGCGGCCTGTCATGCTGGTGGGCACGGCTGGCACTGGCAAGTCGGTGCTGGTGGGAGC-3'
Protein context (NP_001363.2, residues 2460-2480): VCYFMERLMA[Arg2470Gln]QRPVMLVGTA